The following is an entry in ClinVar:

ClinVar aggregate classification (germline): Uncertain significance (1 of 4 stars; one submission).

Conditions:
Familial cancer of breast. Also called: hereditary breast carcinoma; Hereditary breast cancer; BREAST CANCER, FAMILIAL. Identifiers: Orphanet 227535, MedGen C0346153, MONDO:0016419, OMIM 114480. Disease mechanism: loss of function.

gnomAD v4.1: 1 of 1,612,874 alleles (0.000062%); highest among the groups gnomAD compares: Non-Finnish European, 0.000085%; no homozygotes.

Submission:

Labcorp Genetics (formerly Invitae), Labcorp
Classification: Uncertain significance for Familial cancer of breast. Last evaluated: 2023-10-18. Review status: criteria provided, single submitter. Criteria: Invitae Variant Classification Sherloc (09022015). Collection method: clinical testing. Allele origin: germline.
Comment: This sequence change replaces glycine, which is neutral and non-polar, with valine, which is neutral and non-polar, at codon 527 of the BARD1 protein (p.Gly527Val). This variant is not present in population databases (gnomAD no frequency). This variant has not been reported in the literature in individuals affected with BARD1-related conditions. ClinVar contains an entry for this variant (Variation ID: 1506026). An algorithm developed to predict the effect of missense changes on protein structure and function (PolyPhen-2) suggests that this variant is likely to be disruptive. Algorithms developed to predict the effect of sequence changes on RNA splicing suggest that this variant may create or strengthen a splice site. In summary, the available evidence is currently insufficient to determine the role of this variant in disease. Therefore, it has been classified as a Variant of Uncertain Significance.

NM_000465.4(BARD1):c.1580G>T (p.Gly527Val)

Gene: BARD1 (BRCA1 associated RING domain 1; minus strand). Cytogenetic location: 2q35.
Variant type: single nucleotide variant.
Coding change: c.1580G>T on transcript NM_000465.4 (MANE Select); coding-DNA position 1580, G replaced by T.
Protein change: p.Gly527Val; replaces glycine 527 with valine.
Molecular consequence: missense variant. On other transcripts: non-coding transcript variant (3), intron variant (1).
Genome position (GRCh38, 1-based): chr2:214,752,544, C>A on the plus strand (G>T on the coding strand, the complement: BARD1 is on the minus strand). VCF-style: chr2-214752544-C-A. GRCh37 (hg19) VCF-style: chr2-215617268-C-A.
Other names: c.1523G>T, p.Gly508Val (NM_001282543.2); c.227G>T, p.Gly76Val (NM_001282545.2); c.170G>T, p.Gly57Val (NM_001282548.2); c.365-22036G>T (NM_001282549.2); short protein forms G527V, G76V, G508V, G57V.
Identifiers: ClinVar variation 1506026 (VCV001506026.9), dbSNP rs587781507, ClinGen allele CA350455028.